The following is an entry in ClinVar:

ClinVar aggregate classification (germline): Uncertain significance. Review status: criteria provided, multiple submitters, no conflicts (2 of 4 stars). 4 submissions from 4 submitters: Uncertain significance (3). 1 of the submissions does not count toward it. Last evaluated 2025-09-29.

Conditions:
TRIP4-related disorder. Also called: TRIP4-related condition; TRIP4-related disorders.

Allele frequency attached by ClinVar (database versions not stated): gnomAD exomes below 0.00001 and 0.00003; ExAC 0.00005; TOPMed 0.00005; gnomAD 0.00006 and 0.00007.
gnomAD v4.1: 29 of 1,549,862 alleles (0.0019%); highest among the groups gnomAD compares: East Asian, 0.0098%; no homozygotes.

Submissions (4):

Labcorp Genetics (formerly Invitae), Labcorp
Classification: Uncertain significance. Last evaluated: 2025-09-29. Review status: criteria provided, single submitter. Criteria: Invitae Variant Classification Sherloc (09022015). Collection method: clinical testing. Allele origin: germline.
Comment: This sequence change replaces leucine, which is neutral and non-polar, with arginine, which is basic and polar, at codon 12 of the TRIP4 protein (p.Leu12Arg). This variant is present in population databases (rs779735773, gnomAD 0.03%). This variant has not been reported in the literature in individuals affected with TRIP4-related conditions. ClinVar contains an entry for this variant (Variation ID: 1308364). An algorithm developed to predict the effect of missense changes on protein structure and function (PolyPhen-2) suggests that this variant is likely to be disruptive. In summary, the available evidence is currently insufficient to determine the role of this variant in disease. Therefore, it has been classified as a Variant of Uncertain Significance.

Revvity Omics, Revvity
Classification: Uncertain significance. Last evaluated: 2023-11-30. Review status: criteria provided, single submitter. Criteria: ACMG Guidelines, 2015. Collection method: clinical testing. Allele origin: germline.

GeneDx
Classification: Uncertain significance. Last evaluated: 2019-03-26. Review status: criteria provided, single submitter. Criteria: GeneDx Variant Classification Process June 2021. Collection method: clinical testing. Allele origin: germline. Affected: yes.
Comment: Has not been previously published as pathogenic or benign to our knowledge; In silico analysis, which includes protein predictors and evolutionary conservation, supports a deleterious effect

PreventionGenetics, part of Exact Sciences
Classification: Uncertain significance for TRIP4-related condition. Last evaluated: 2024-04-15. Review status: no assertion criteria provided. Collection method: clinical testing. Allele origin: germline. Not counted in ClinVar's aggregate classification.
Comment: The TRIP4 c.35T>G variant is predicted to result in the amino acid substitution p.Leu12Arg. To our knowledge, this variant has not been reported in the literature. This variant is reported in 0.023% of alleles in individuals of East Asian descent in gnomAD. At this time, the clinical significance of this variant is uncertain due to the absence of conclusive functional and genetic evidence.

NM_016213.5(TRIP4):c.35T>G (p.Leu12Arg)

Gene: TRIP4 (thyroid hormone receptor interactor 4; plus strand). Cytogenetic location: 15q22.31.
Variant type: single nucleotide variant.
Coding change: c.35T>G on transcript NM_016213.5 (MANE Select); coding-DNA position 35, T replaced by G.
Protein change: p.Leu12Arg; replaces leucine 12 with arginine.
Molecular consequence: missense variant. On other transcripts: 5 prime UTR variant (1), non-coding transcript variant (1).
Genome position (GRCh38, 1-based): chr15:64,387,898, T>G. VCF-style: chr15-64387898-T-G. GRCh37 (hg19) VCF-style: chr15-64680097-T-G.
Other names: c.-740T>G (NM_001321924.2); short protein forms L12R.
Identifiers: ClinVar variation 1308364 (VCV001308364.7), dbSNP rs779735773, ClinGen allele CA7609272.